The following is an entry in ClinVar:

ClinVar aggregate classification (germline): Conflicting classifications of pathogenicity. Review status: criteria provided, conflicting classifications (1 of 4 stars). 9 submissions from 9 submitters: Uncertain significance (2); Benign (1); Likely benign (5). 1 of the submissions does not count toward it. Last evaluated 2025-10-27.

Conditions:
Breast-ovarian cancer, familial, susceptibility to, 1 (BROVCA1). Also called: BRCA1 Hereditary Breast and Ovarian Cancer; OVARIAN CANCER, SUSCEPTIBILITY TO. Identifiers: Orphanet 145, MedGen C2676676, MONDO:0011450, OMIM 604370. Disease mechanism: loss of function.
Hereditary cancer-predisposing syndrome. Also called: Neoplastic Syndromes, Hereditary; Hereditary neoplastic syndrome; Hereditary Cancer Syndrome; Tumor predisposition. Identifiers: Orphanet 140162, MedGen C0027672, MeSH D009386, MONDO:0015356.
Hereditary breast ovarian cancer syndrome. Also called: Hereditary breast and ovarian cancer syndrome; Breast and ovarian cancer; Hereditary breast and ovarian cancer syndrome (HBOC); Hereditary breast and/or ovarian cancer syndrome; BRCA1- and BRCA2-Associated Hereditary Breast and Ovarian Cancer; Hereditary breast and ovarian cancer. Identifiers: Orphanet 145, MedGen C0677776, MeSH D061325, MONDO:0003582. Disease mechanism: loss of function.

Allele frequency attached by ClinVar (database versions not stated): gnomAD exomes 0.00002 and 0.00006; ExAC 0.00005.
gnomAD v4.1: 22 of 1,577,254 alleles (0.0014%); highest among the groups gnomAD compares: South Asian, 0.019%; no homozygotes.

Submissions (10):

Labcorp Genetics (formerly Invitae), Labcorp
Classification: Likely benign for Hereditary breast ovarian cancer syndrome. Last evaluated: 2025-10-27. Review status: criteria provided, single submitter. Criteria: Invitae Variant Classification Sherloc (09022015). Collection method: clinical testing. Allele origin: germline.

Women's Health and Genetics/Laboratory Corporation of America, LabCorp
Classification: Uncertain significance. Last evaluated: 2025-10-17. Review status: criteria provided, single submitter. Criteria: LabCorp Variant Classification Summary - May 2015. Collection method: clinical testing. Allele origin: germline.
Comment: Variant summary: BRCA1 c.135-3T>C alters a nucleotide located close to a canonical splice site and therefore could affect mRNA splicing, leading to a significantly altered protein sequence. Consensus agreement among computation tools predict no significant impact on normal splicing. However, these predictions have yet to be confirmed by functional studies. The variant allele was found at a frequency of 5.6e-05 in 248196 control chromosomes. This frequency is not significantly higher than estimated for disease-causing variants in BRCA1, allowing no conclusion about variant significance. To our knowledge, no occurrence of c.135-3T>C in individuals affected with BRCA1-related conditions and no experimental evidence demonstrating its impact on protein function have been reported. ClinVar contains an entry for this variant (Variation ID: 409343). Based on the evidence outlined above, the variant was classified as uncertain significance.

Lupski Lab, Baylor-Hopkins CMG, Baylor College of Medicine
Classification: Likely benign for Breast-ovarian cancer, familial, susceptibility to, 1. Last evaluated: 2024-04-12. Review status: criteria provided, single submitter. Criteria: Dawood et al. (medRxiv. 2024). Collection method: curation. Allele origin: germline.
Comment: Each variant was annotated with functional scores from MAVE data which was translated into functional evidence codes. All other evidence codes and combining criteria were adhered to as closely as possible based on the ClinGen VCEP (Variant Curation Expert Panel) gene-specific recommendations. See Supplemental Figure 34 of final paper (Supp Fig. 28 in preprint: doi:10.1101/2024.04.11.24305690) for a table to see which lines of evidence we did not have data for. The ClinGen VCEPs are highly regarded as the gold-standard for gene-specific variant curation and are developed after extensive evaluation of the evidence by clinical and scientific experts for the particular gene to classify genomic variants on a spectrum from pathogenic to benign using the 2015 ACMG/AMP Variant Interpretation Guidelines as a backbone (PMID: 25741868). Reclassification of these VUS variants from gnomAD or All of Us focused only on variants originally prescribed as VUS in ClinVar. To ensure reproducibility, transparency, and increased throughput, all the procedures for annotating variants and assigning evidence codes were codified using Python. All code has been made freely available and is linked in the Code Availability section and all reclassified variants with evidence codes used can be found in Tables S18-19 (preprint: doi:10.1101/2024.04.11.24305690). For the MAVE data, the clinical curation and clinical strength assignment as per the ClinGen recommendations in Brnich et al. (2020) (PMID: 31892348) for or against pathogenicity or benignity of each of these MAVE datasets utilized in this study were previously published in Fayer et al. (2021) (PMID: 34793697).In brief, for BRCA1 variants, if a variant was categorized as FUNC (functional), it was assigned BS3 evidence and no PS3 evidence, whereas if it was categorized as LOF (loss of function), the variant was assigned PS3 evidence and no BS3 evidence. Variants categorized as INT (intermediate) were left unannotated. For the BRCA1 combining criteria, greater than or equal to 1 criteria of strong benign evidence was enough to reclassify the VUS as Likely Benign. This variant GRCh38:17:43106536:A>G was assigned evidence codes ['BS3'] and an overall classification of Likely benign

All of Us Research Program, National Institutes of Health
Classification: Likely benign for Breast-ovarian cancer, familial, susceptibility to, 1. Last evaluated: 2023-10-02. Review status: criteria provided, single submitter. Criteria: ACMG Guidelines, 2015. Collection method: clinical testing. Allele origin: germline. Inheritance: Autosomal dominant inheritance. Observed: 1 variant allele, 1 heterozygote.
Comment: This study involves interpretation of variants in research participants for the purpose of population health screening. Participant phenotype was not available at the time of variant classification. Additional details can be found in publication PMID: 35346344, PMCID: PMC8962531

Color Diagnostics, LLC DBA Color Health
Classification: Likely benign for Hereditary cancer-predisposing syndrome. Last evaluated: 2023-04-12. Review status: criteria provided, single submitter. Criteria: ACMG Guidelines, 2015. Collection method: clinical testing. Allele origin: germline.

Quest Diagnostics Nichols Institute San Juan Capistrano
Classification: Likely benign. Last evaluated: 2022-11-11. Review status: criteria provided, single submitter. Criteria: Quest Diagnostics criteria. Collection method: clinical testing. Allele origin: unknown.

Ambry Genetics
Classification: Benign for Hereditary cancer-predisposing syndrome. Last evaluated: 2021-05-20. Review status: criteria provided, single submitter. Criteria: Ambry Variant Classification Scheme 2023. Collection method: clinical testing. Allele origin: germline.

Mendelics
Classification: Uncertain significance for Breast-ovarian cancer, familial, susceptibility to, 1. Last evaluated: 2019-05-28. Review status: criteria provided, single submitter. Criteria: Mendelics Assertion Criteria 2017. Collection method: clinical testing. Allele origin: unknown.

BRCAlab, Lund University
Classification: Benign for Breast-ovarian cancer, familial, susceptibility to, 1. Last evaluated: 2024-02-02. Review status: no assertion criteria provided. Collection method: clinical testing. Allele origin: germline. Affected: yes. Not counted in ClinVar's aggregate classification.

Brotman Baty Institute, University of Washington
No classification provided (evidence only). Condition: Breast-ovarian cancer, familial 1. Review status: no classification provided. Collection method: in vitro. Allele origin: not applicable. Functional consequence: functionally_normal. Not counted in ClinVar's aggregate classification.
ClinVar note: "not provided" was previously submitted as the classification for the variant. However, the classification appeared to be based only on an observation of functional data so it was converted to no classification on 2025-07-30.

Literature cited by the submitters: PubMed 39142283 (cited by Lupski Lab, Baylor-Hopkins CMG, Baylor College of Medicine); PubMed 34793697 (cited by Lupski Lab, Baylor-Hopkins CMG, Baylor College of Medicine); DOI 10.1101/2024.04.11.24305690 (cited by Lupski Lab, Baylor-Hopkins CMG, Baylor College of Medicine); PubMed 30209399 (cited by Quest Diagnostics Nichols Institute San Juan Capistrano and Ambry Genetics).

NM_007294.4(BRCA1):c.135-3T>C

Gene: BRCA1 (BRCA1 DNA repair associated; minus strand). Cytogenetic location: 17q21.31.
Variant type: single nucleotide variant.
Coding change: c.135-3T>C on transcript NM_007294.4 (MANE Select); 3 bases into the intron before coding-DNA position 135, T replaced by C.
Molecular consequence: intron variant.
Genome position (GRCh38, 1-based): chr17:43,106,536, A>G on the plus strand (T>C on the coding strand, the complement: BRCA1 is on the minus strand). VCF-style: chr17-43106536-A-G. GRCh37 (hg19) VCF-style: chr17-41258553-A-G.
Other names: c.-7-3T>C (NM_001408458.1, NM_001407931.1, NM_001407747.1 and 99 more transcripts); c.-218-11676T>C (NM_001407967.1, NM_001407966.1); c.-169-1580T>C (NM_001407959.1, NM_001407962.1, NM_001408512.1 and 4 more transcripts); c.-54-3T>C (NM_001407885.1, NM_001407886.1, NM_001407898.1 and 58 more transcripts); c.135-3T>C (NM_001407686.1, NM_001408397.1, NM_001407632.1 and 167 more transcripts); c.81-1580T>C (NM_001408451.1); c.135-1580T>C (NM_001408475.1, NM_001407875.1, NM_001407659.1 and 21 more transcripts).
Identifiers: ClinVar variation 409343 (VCV000409343.26), dbSNP rs759417413, ClinGen allele CA053118.